The following is an entry in ClinVar:

NM_033028.5(BBS4):c.1294dup (p.Glu432fs)

Gene: BBS4 (Bardet-Biedl syndrome 4; plus strand). Cytogenetic location: 15q24.1.
Variant type: Duplication.
Coding change: c.1294dup on transcript NM_033028.5 (MANE Select); coding-DNA position 1294, one base duplicated (G; older notation c.1294dupG).
Protein change: p.Glu432fs; shifts the reading frame from glutamic acid 432.
Molecular consequence: frameshift variant. On other transcripts: non-coding transcript variant (2).
Genome position (GRCh38, 1-based): chr15:72,736,807, G duplicated; the last of 4 consecutive G bases (chr15:72,736,804-72,736,807); duplicating any one gives the same sequence. VCF-style (leftmost placement, unchanged base first): chr15-72736803-T-TG. GRCh37 (hg19) VCF-style: chr15-73029144-T-TG.
Other names: c.1294dupG (NM_033028.4); c.778dup, p.Glu260fs (NM_001252678.2); c.1225dup, p.Glu409fs (NM_001320665.2); short protein forms E432fs, E260fs, E409fs.
Identifiers: ClinVar variation 2099641 (VCV002099641.8), dbSNP rs912967826, ClinGen allele CA272646543.

ClinVar aggregate classification (germline): Pathogenic/Likely pathogenic. Review status: criteria provided, multiple submitters, no conflicts (2 of 4 stars). 4 submissions from 4 submitters: Pathogenic (1); Likely pathogenic (2). 1 of the submissions does not count toward it. Last evaluated 2024-04-08.

Conditions:
Bardet-Biedl syndrome 4 (BBS4). Identifiers: Orphanet 110, MedGen C2936864, MONDO:0014433, OMIM 615982.
BBS4-related disorder. Also called: BBS4-related condition.
Bardet-Biedl syndrome (BBS). Identifiers: Orphanet 110, MedGen C0752166, MONDO:0015229.

Submissions (4):

Fulgent Genetics
Classification: Likely pathogenic for Bardet-Biedl syndrome 4. Last evaluated: 2024-04-08. Review status: criteria provided, single submitter. Criteria: ACMG Guidelines, 2015. Collection method: clinical testing. Allele origin: germline.

Baylor Genetics
Classification: Likely pathogenic for Bardet-Biedl syndrome 4. Last evaluated: 2023-12-28. Review status: criteria provided, single submitter. Criteria: ACMG Guidelines, 2015. Collection method: clinical testing. Allele origin: unknown.

Labcorp Genetics (formerly Invitae), Labcorp
Classification: Pathogenic for Bardet-Biedl syndrome. Last evaluated: 2022-02-19. Review status: criteria provided, single submitter. Criteria: Invitae Variant Classification Sherloc (09022015). Collection method: clinical testing. Allele origin: germline.
Comment: For these reasons, this variant has been classified as Pathogenic. This variant has not been reported in the literature in individuals affected with BBS4-related conditions. This variant is not present in population databases (gnomAD no frequency). This sequence change creates a premature translational stop signal (p.Glu432Glyfs*10) in the BBS4 gene. It is expected to result in an absent or disrupted protein product. Loss-of-function variants in BBS4 are known to be pathogenic (PMID: 11381270, 12016587, 20177705, 27894351).

PreventionGenetics, part of Exact Sciences
Classification: Likely pathogenic for BBS4-related condition. Last evaluated: 2024-09-20. Review status: no assertion criteria provided. Collection method: clinical testing. Allele origin: germline. Not counted in ClinVar's aggregate classification.
Comment: The BBS4 c.1294dupG variant is predicted to result in a frameshift and premature protein termination (p.Glu432Glyfs*10). To our knowledge, this variant has not been reported in the literature or in a large population database, indicating this variant is rare. Frameshift variants in BBS4 are expected to be pathogenic. This variant is interpreted as likely pathogenic.

Literature cited by the submitters: PubMed 11381270 (cited by Labcorp Genetics (formerly Invitae), Labcorp); PubMed 12016587 (cited by Labcorp Genetics (formerly Invitae), Labcorp); PubMed 20177705 (cited by Labcorp Genetics (formerly Invitae), Labcorp); PubMed 27894351 (cited by Labcorp Genetics (formerly Invitae), Labcorp).